The following is an entry in ClinVar:

NM_001270974.2(HYDIN):c.6344_6345dup (p.Ile2116fs)

Gene: HYDIN (HYDIN axonemal central pair apparatus protein; minus strand). Cytogenetic location: 16q22.2.
Variant type: Duplication.
Coding change: c.6344_6345dup on transcript NM_001270974.2 (MANE Select); coding-DNA positions 6344 to 6345, 2 bases duplicated (TC; older notation c.6344_6345dupTC).
Protein change: p.Ile2116fs; shifts the reading frame from isoleucine 2116.
Molecular consequence: frameshift variant.
Genome position (GRCh38, 1-based): chr16:70,952,607-70,952,608, GA duplicated on the plus strand (TC on the coding strand, the reverse complement: HYDIN is on the minus strand). VCF-style (leftmost placement, unchanged base first): chr16-70952606-T-TGA. GRCh37 (hg19) VCF-style: chr16-70986509-T-TGA.
Other names: short protein forms I2116fs.
Identifiers: ClinVar variation 1344890 (VCV001344890.4), dbSNP rs373140284, ClinGen allele CA283521265.

ClinVar aggregate classification (germline): Likely pathogenic (1 of 4 stars; one submission).

Conditions:
Primary ciliary dyskinesia 5. Also called: CILIARY DYSKINESIA, PRIMARY, 5, WITHOUT SITUS INVERSUS. Identifiers: Orphanet 244, MedGen C1837615, MONDO:0012088, OMIM 608647.

Submission:

Dasa
Classification: Likely pathogenic for Primary ciliary dyskinesia 5. Last evaluated: 2022-03-05. Review status: criteria provided, single submitter. Criteria: ACMG Guidelines, 2015. Collection method: clinical testing. Allele origin: germline. Affected: yes. Observed: 1 variant allele.
Comment: The c.6344_6345dup;p.(Ile2116Serfs*2) is a null frameshift variant (NMD) in the HYDIN gene and predicts alteration of the nonsense-mediate decay - NMD is present in a relevant exon to the transcript - PVS1. This variant is not present in population databases (rs373140284- gnomAD; ABraOM no frequency.) - PM2. In summary, the currently available evidence indicates that the variant is likely pathogenic.